The following is an entry in ClinVar:

NM_004168.4(SDHA):c.747A>G (p.Ala249=)

Gene: SDHA (succinate dehydrogenase complex flavoprotein subunit A; plus strand). Cytogenetic location: 5p15.33.
Variant type: single nucleotide variant.
Coding change: c.747A>G on transcript NM_004168.4 (MANE Select); coding-DNA position 747, A replaced by G.
Protein change: p.Ala249=; no amino-acid change (alanine 249 retained).
Molecular consequence: synonymous variant.
Genome position (GRCh38, 1-based): chr5:228,310, A>G. VCF-style: chr5-228310-A-G. GRCh37 (hg19) VCF-style: chr5-228425-A-G.
Other names: c.603A>G, p.Ala201= (NM_001294332.2); c.747A>G, p.Ala249= (NM_001330758.2).
Identifiers: ClinVar variation 1759090 (VCV001759090.6), dbSNP rs2477317449, ClinGen allele CA442691387.
Genomic context (GRCh38, chr5:228,310, plus strand): 5'-GGAGTGCCGTGGTGTCATCGCACTGTGCATAGAGGACGGGTCCATCCATCGCATAAGAGC[A>G]AAGAACACTGTTGTTGCCACAGGGTAGGAATCTCATTTCTACTTTATTTTGTTTATAAAA-3'
Protein context (NP_004159.2, residues 239-259): IEDGSIHRIR[Ala249=]KNTVVATGGY

ClinVar aggregate classification (germline): Benign/Likely benign. Review status: criteria provided, multiple submitters, no conflicts (2 of 4 stars). 3 submissions from 3 submitters: Benign (1); Likely benign (2). Last evaluated 2025-03-03.

Conditions:
Hereditary cancer-predisposing syndrome. Also called: Hereditary Cancer Syndrome; Hereditary neoplastic syndrome; Neoplastic Syndromes, Hereditary; Tumor predisposition. Identifiers: Orphanet 140162, MedGen C0027672, MeSH D009386, MONDO:0015356.
Pheochromocytoma/paraganglioma syndrome 5. Also called: Paragangliomas 5; SDHA-Related Hereditary Paraganglioma-Pheochromocytoma Syndrome. Identifiers: Orphanet 29072, MedGen C3279992, MONDO:0013602, OMIM 614165.
Mitochondrial complex II deficiency, nuclear type 1. Also called: SUCCINATE CoQ REDUCTASE DEFICIENCY. Identifiers: Orphanet 3208, MedGen C5700310, MONDO:0100294, OMIM 252011.

Submissions (3):

Myriad Genetics, Inc.
Classification: Benign for Pheochromocytoma/paraganglioma syndrome 5. Last evaluated: 2025-03-03. Review status: criteria provided, single submitter. Criteria: Myriad Autosomal Dominant, Autosomal Recessive and X-Linked Classification Criteria (2023). Collection method: clinical testing. Allele origin: unknown.
Comment: This variant is considered benign. This variant is a silent/synonymous amino acid change and it is not expected to impact splicing.

Labcorp Genetics (formerly Invitae), Labcorp
Classification: Likely benign for Pheochromocytoma/paraganglioma syndrome 5; Mitochondrial complex II deficiency, nuclear type 1. Last evaluated: 2023-12-24. Review status: criteria provided, single submitter. Criteria: Invitae Variant Classification Sherloc (09022015). Collection method: clinical testing. Allele origin: germline.

Ambry Genetics
Classification: Likely benign for Hereditary cancer-predisposing syndrome. Last evaluated: 2020-03-22. Review status: criteria provided, single submitter. Criteria: Ambry Variant Classification Scheme 2023. Collection method: clinical testing. Allele origin: germline.